The following is an entry in ClinVar:

ClinVar aggregate classification (germline): Uncertain significance (1 of 4 stars; one submission).

Conditions:
AFF3-related disorder. Also called: AFF3-related condition.

Submission:

PreventionGenetics, part of Exact Sciences
Classification: Uncertain significance for AFF3-related condition. Last evaluated: 2023-03-21. Review status: criteria provided, single submitter. Criteria: ACMG Guidelines, 2015. Collection method: clinical testing. Allele origin: germline.
Comment: The AFF3 c.812A>C variant is predicted to result in the amino acid substitution p.Lys271Thr. To our knowledge, this variant has not been reported in the literature or in a large population database, indicating this variant is rare. At this time, the clinical significance of this variant is uncertain due to the absence of conclusive functional and genetic evidence.

NM_001386135.1(AFF3):c.812A>C (p.Lys271Thr)

Gene: AFF3 (ALF transcription elongation factor 3; minus strand). Cytogenetic location: 2q11.2.
Variant type: single nucleotide variant.
Coding change: c.812A>C on transcript NM_001386135.1 (MANE Select); coding-DNA position 812, A replaced by C.
Protein change: p.Lys271Thr; replaces lysine 271 with threonine.
Molecular consequence: missense variant.
Genome position (GRCh38, 1-based): chr2:100,006,693, T>G on the plus strand (A>C on the coding strand, the complement: AFF3 is on the minus strand). VCF-style: chr2-100006693-T-G. GRCh37 (hg19) VCF-style: chr2-100623155-T-G.
Other names: c.887A>C, p.Lys296Thr (NM_001025108.2); c.812A>C, p.Lys271Thr (NM_002285.3); short protein forms K271T, K296T.
Identifiers: ClinVar variation 2633805 (VCV002633805.1), dbSNP rs2469089133, ClinGen allele CA347963510.